The following is an entry in ClinVar:

ClinVar aggregate classification (germline): Benign/Likely benign. Review status: criteria provided, multiple submitters, no conflicts (2 of 4 stars). 9 submissions from 9 submitters: Benign (5); Likely benign (3). 1 of the submissions does not count toward it. Last evaluated 2026-08-01.

Conditions:
Autosomal recessive nonsyndromic hearing loss 36. Also called: DEAFNESS, AUTOSOMAL RECESSIVE 36, WITH VESTIBULAR INVOLVEMENT; Deafness, autosomal recessive 36. Identifiers: Orphanet 90636, MedGen C1837007, MONDO:0012170, OMIM 609006.
Usher syndrome, type 1M. Identifiers: MedGen C5231434, MONDO:0032841, OMIM 618632.
ESPN-related disorder. Also called: ESPN-related condition.

Allele frequency attached by ClinVar (database versions not stated): 1000 Genomes Project 0.00220; 1000 Genomes Project 30x 0.00265; TOPMed 0.00466; gnomAD 0.00502 and 0.00511; gnomAD exomes 0.00504 and 0.00620; ExAC 0.00583; ESP Exome Variant Server 0.00593.
gnomAD v4.1: 9,768 of 1,611,192 alleles (0.61%); highest among the groups gnomAD compares: Middle Eastern, 0.82%; 51 homozygotes.

Submissions (9):

CeGaT Center for Human Genetics Tuebingen
Classification: Likely benign. Last evaluated: 2026-08-01. Review status: criteria provided, single submitter. Criteria: CeGaT Center For Human Genetics Tuebingen Variant Classification Criteria Version 2. Collection method: clinical testing. Allele origin: germline. Affected: yes. Observed: 12 variant alleles.
Comment: ESPN: BS2

Labcorp Genetics (formerly Invitae), Labcorp
Classification: Benign. Last evaluated: 2025-12-25. Review status: criteria provided, single submitter. Criteria: Invitae Variant Classification Sherloc (09022015). Collection method: clinical testing. Allele origin: germline.

Fulgent Genetics
Classification: Likely benign for Autosomal recessive nonsyndromic hearing loss 36; Usher syndrome, type 1M. Last evaluated: 2021-08-06. Review status: criteria provided, single submitter. Criteria: ACMG Guidelines, 2015. Collection method: clinical testing. Allele origin: unknown.

ARUP Laboratories, Molecular Genetics and Genomics, ARUP Laboratories
Classification: Benign. Last evaluated: 2020-11-18. Review status: criteria provided, single submitter. Criteria: ARUP Molecular Germline Variant Investigation Process 2021. Collection method: clinical testing. Allele origin: germline.

Athena Diagnostics
Classification: Benign. Last evaluated: 2020-03-27. Review status: criteria provided, single submitter. Criteria: Athena Diagnostics Criteria. Collection method: clinical testing. Allele origin: unknown.

GeneDx
Classification: Benign. Last evaluated: 2019-01-23. Review status: criteria provided, single submitter. Criteria: GeneDx Variant Classification Process June 2021. Collection method: clinical testing. Allele origin: germline. Affected: yes.

Laboratory for Molecular Medicine, Mass General Brigham Personalized Medicine
Classification: Benign. Last evaluated: 2012-04-30. Review status: criteria provided, single submitter. Criteria: LMM Criteria. Collection method: clinical testing. Allele origin: germline. Observed: 20 variant alleles.
Comment: Ser690Ser in Exon 10 of ESPN: This variant is not expected to have clinical sign ificance because it does not alter an amino acid residue, is not located within the splice consensus sequence, and has been identified in 0.8% (53/7014) of Euro pean American chromosomes from a broad population by the NHLBI Exome Sequencing Project (dbSNP rs142850918).

Breakthrough Genomics
Classification: Likely benign. Review status: criteria provided, single submitter. Criteria: ACMG Guidelines, 2015. Collection method: not provided. Allele origin: germline. Inheritance: Autosomal recessive inheritance. Affected: yes.

PreventionGenetics, part of Exact Sciences
Classification: Benign for ESPN-related condition. Last evaluated: 2021-11-12. Review status: no assertion criteria provided. Collection method: clinical testing. Allele origin: germline. Not counted in ClinVar's aggregate classification.
Comment: This variant is classified as benign based on ACMG/AMP sequence variant interpretation guidelines (Richards et al. 2015 PMID: 25741868, with internal and published modifications).

NM_031475.3(ESPN):c.2070G>A (p.Ser690=)

Gene: ESPN (espin; plus strand). Cytogenetic location: 1p36.31.
Variant type: single nucleotide variant.
Coding change: c.2070G>A on transcript NM_031475.3 (MANE Select); coding-DNA position 2070, G replaced by A.
Protein change: p.Ser690=; no amino-acid change (serine 690 retained).
Molecular consequence: synonymous variant.
Genome position (GRCh38, 1-based): chr1:6,451,841, G>A. VCF-style: chr1-6451841-G-A. GRCh37 (hg19) VCF-style: chr1-6511901-G-A.
Other names: c.1980G>A, p.Ser660= (NM_001367473.1); c.2007G>A, p.Ser669= (NM_001367474.1).
Identifiers: ClinVar variation 226635 (VCV000226635.60), dbSNP rs142850918, ClinGen allele CA560382.